The following is an entry in ClinVar:

ClinVar aggregate classification (germline): Uncertain significance. Review status: criteria provided, single submitter (1 of 4 stars). 2 submissions from 2 submitters: Uncertain significance (1). 1 of the submissions does not count toward it. Last evaluated 2024-02-12.

Conditions:
PLXNA2-related disorder. Also called: PLXNA2-related condition.

Allele frequency attached by ClinVar (database versions not stated): gnomAD exomes below 0.00001.

Submissions (2):

Labcorp Genetics (formerly Invitae), Labcorp
Classification: Uncertain significance. Last evaluated: 2024-02-12. Review status: criteria provided, single submitter. Criteria: Invitae Variant Classification Sherloc (09022015). Collection method: clinical testing. Allele origin: germline.
Comment: This sequence change replaces methionine, which is neutral and non-polar, with valine, which is neutral and non-polar, at codon 1001 of the PLXNA2 protein (p.Met1001Val). This variant is not present in population databases (gnomAD no frequency). This variant has not been reported in the literature in individuals affected with PLXNA2-related conditions. Advanced modeling of protein sequence and biophysical properties (such as structural, functional, and spatial information, amino acid conservation, physicochemical variation, residue mobility, and thermodynamic stability) performed at Invitae indicates that this missense variant is not expected to disrupt PLXNA2 protein function with a negative predictive value of 80%. In summary, the available evidence is currently insufficient to determine the role of this variant in disease. Therefore, it has been classified as a Variant of Uncertain Significance.

PreventionGenetics, part of Exact Sciences
Classification: Uncertain significance for PLXNA2-related condition. Last evaluated: 2024-03-25. Review status: no assertion criteria provided. Collection method: clinical testing. Allele origin: germline. Not counted in ClinVar's aggregate classification.
Comment: The PLXNA2 c.3001A>G variant is predicted to result in the amino acid substitution p.Met1001Val. To our knowledge, this variant has not been reported in the literature or in a large population database, indicating this variant is rare. At this time, the clinical significance of this variant is uncertain due to the absence of conclusive functional and genetic evidence.

NM_025179.4(PLXNA2):c.3001A>G (p.Met1001Val)

Gene: PLXNA2 (plexin A2; minus strand). Cytogenetic location: 1q32.2.
Variant type: single nucleotide variant.
Coding change: c.3001A>G on transcript NM_025179.4 (MANE Select); coding-DNA position 3001, A replaced by G.
Protein change: p.Met1001Val; replaces methionine 1001 with valine.
Molecular consequence: missense variant.
Genome position (GRCh38, 1-based): chr1:208,051,416, T>C on the plus strand (A>G on the coding strand, the complement: PLXNA2 is on the minus strand). VCF-style: chr1-208051416-T-C. GRCh37 (hg19) VCF-style: chr1-208224761-T-C.
Other names: c.3001A>G (NM_025179.3); short protein forms M1001V.
Identifiers: ClinVar variation 2971175 (VCV002971175.4), dbSNP rs1189456798, ClinGen allele CA344565192.